The following is an entry in ClinVar:

NM_007294.4(BRCA1):c.5194-3028G>A

Gene: BRCA1 (BRCA1 DNA repair associated; minus strand). Cytogenetic location: 17q21.31.
Variant type: single nucleotide variant.
Coding change: c.5194-3028G>A on transcript NM_007294.4 (MANE Select); 3028 bases into the intron before coding-DNA position 5194, G replaced by A.
Molecular consequence: intron variant.
Genome position (GRCh38, 1-based): chr17:43,060,163, C>T on the plus strand (G>A on the coding strand, the complement: BRCA1 is on the minus strand). VCF-style: chr17-43060163-C-T. GRCh37 (hg19) VCF-style: chr17-41212180-C-T.
Other names: IVS 19-3028G>A; c.4927-3028G>A (NM_001407929.1, NM_001407930.1, NM_001407933.1 and 4 more transcripts); c.4930-3028G>A (NM_001407924.1, NM_001407920.1, NM_001407923.1 and 4 more transcripts); c.1741-3028G>A (NM_001408460.1, NM_001408465.1, NM_001408463.1 and 7 more transcripts); c.1744-3028G>A (NM_001408454.1, NM_001408456.1, NM_001408453.1 and 3 more transcripts); c.5047-3028G>A (NM_001407852.1, NM_001407853.1, NM_001407843.1 and 12 more transcripts); c.5050-3028G>A (NM_001407750.1, NM_001407732.1, NM_001407733.1 and 21 more transcripts); c.5053-3028G>A (NM_001407698.1, NM_001407942.1, NM_001407694.1 and 13 more transcripts); and 73 more.
Identifiers: ClinVar variation 209304 (VCV000209304.2), dbSNP rs146959162, ClinGen allele CA276276.

ClinVar aggregate classification (germline): Benign (3 of 4 stars; one submission).

Conditions:
Breast-ovarian cancer, familial, susceptibility to, 1 (BROVCA1). Also called: BRCA1 Hereditary Breast and Ovarian Cancer; OVARIAN CANCER, SUSCEPTIBILITY TO. Identifiers: Orphanet 145, MedGen C2676676, MONDO:0011450, OMIM 604370. Disease mechanism: loss of function.

Allele frequency attached by ClinVar (database versions not stated): gnomAD 0.00018 and 0.00036; TOPMed 0.00032; 1000 Genomes Project 30x 0.00156; 1000 Genomes Project 0.00160.
gnomAD v4.1: 54 of 152,208 alleles (0.035%); highest among the groups gnomAD compares: East Asian, 0.87%; no homozygotes.

Submission:

Evidence-based Network for the Interpretation of Germline Mutant Alleles (ENIGMA)
Classification: Benign for Breast-ovarian cancer, familial 1. Last evaluated: 2015-01-12. Review status: reviewed by expert panel. Criteria: ENIGMA BRCA1/2 Classification Criteria (2015). Collection method: curation. Allele origin: germline.
Comment: Class 1 not pathogenic based on frequency >1% in an outbred sampleset. Frequency 0.01049 (Asian), derived from 1000 genomes (2012-04-30).